The following is an entry in ClinVar:

ClinVar aggregate classification (germline): Uncertain significance. Review status: criteria provided, multiple submitters, no conflicts (2 of 4 stars). 2 submissions from 2 submitters: Uncertain significance (2). Last evaluated 2024-03-07.

Conditions:
Baller-Gerold syndrome (BGS). Also called: CRANIOSYNOSTOSIS WITH RADIAL DEFECTS. Identifiers: Orphanet 1225, MedGen C0265308, MONDO:0009039, OMIM 218600.

gnomAD v4.1: 7 of 1,612,466 alleles (0.00043%); highest among the groups gnomAD compares: South Asian, 0.0022%; no homozygotes.

Submissions (2):

Labcorp Genetics (formerly Invitae), Labcorp
Classification: Uncertain significance for Baller-Gerold syndrome. Last evaluated: 2024-03-07. Review status: criteria provided, single submitter. Criteria: Invitae Variant Classification Sherloc (09022015). Collection method: clinical testing. Allele origin: germline.
Comment: This sequence change replaces histidine, which is basic and polar, with glutamine, which is neutral and polar, at codon 944 of the RECQL4 protein (p.His944Gln). This variant is not present in population databases (gnomAD no frequency). This variant has not been reported in the literature in individuals affected with RECQL4-related conditions. ClinVar contains an entry for this variant (Variation ID: 1419480). Advanced modeling of protein sequence and biophysical properties (such as structural, functional, and spatial information, amino acid conservation, physicochemical variation, residue mobility, and thermodynamic stability) performed at Invitae indicates that this missense variant is not expected to disrupt RECQL4 protein function with a negative predictive value of 80%. In summary, the available evidence is currently insufficient to determine the role of this variant in disease. Therefore, it has been classified as a Variant of Uncertain Significance.

Revvity Omics, Revvity
Classification: Uncertain significance. Last evaluated: 2023-05-18. Review status: criteria provided, single submitter. Criteria: ACMG Guidelines, 2015. Collection method: clinical testing. Allele origin: germline.

NM_004260.4(RECQL4):c.2832T>A (p.His944Gln)

Gene: RECQL4 (RecQ like helicase 4; minus strand). Cytogenetic location: 8q24.3.
Variant type: single nucleotide variant.
Coding change: c.2832T>A on transcript NM_004260.4 (MANE Select); coding-DNA position 2832, T replaced by A.
Protein change: p.His944Gln; replaces histidine 944 with glutamine.
Molecular consequence: missense variant.
Genome position (GRCh38, 1-based): chr8:144,512,695, A>T on the plus strand (T>A on the coding strand, the complement: RECQL4 is on the minus strand). VCF-style: chr8-144512695-A-T. GRCh37 (hg19) VCF-style: chr8-145738078-A-T.
Other names: c.2832T>A (NM_004260.3); short protein forms H944Q.
Identifiers: ClinVar variation 1419480 (VCV001419480.8), dbSNP rs754047453, ClinGen allele CA372674155.